The following is an entry in ClinVar:

NM_001366006.2(ADGRL2):c.3641C>A (p.Thr1214Asn)

Gene: ADGRL2 (adhesion G protein-coupled receptor L2; plus strand). Cytogenetic location: 1p31.1.
Variant type: single nucleotide variant.
Coding change: c.3641C>A on transcript NM_001366006.2 (MANE Select); coding-DNA position 3641, C replaced by A.
Protein change: p.Thr1214Asn; replaces threonine 1214 with asparagine.
Molecular consequence: missense variant. On other transcripts: intron variant (19).
Genome position (GRCh38, 1-based): chr1:81,987,872, C>A. VCF-style: chr1-81987872-C-A. GRCh37 (hg19) VCF-style: chr1-82453556-C-A.
Other names: c.3641C>A, p.Thr1214Asn (NM_001366005.2); c.3637+843C>A (NM_001366003.2, NM_001366004.2, NM_001366008.2 and 2 more transcripts); c.3457+2517C>A (NM_001297704.3, NM_012302.5, NM_001393351.1 and 2 more transcripts); c.3496+2517C>A (NM_001330645.3, NM_001393350.1); c.3510+531C>A (NM_001297705.3, NM_001393353.1); c.3361-2519C>A (NM_001297706.3); c.*47+531C>A (NM_001350699.2, NM_001393354.1); c.3549+531C>A (NM_001366009.2); and 1 more; short protein forms T1214N.
Identifiers: ClinVar variation 3042802 (VCV003042802.2), dbSNP rs183237089, ClinGen allele CA923113.

ClinVar aggregate classification (germline): Likely benign (0 of 4 stars; one submission).

Conditions:
ADGRL2-related disorder. Also called: ADGRL2-related condition.

Allele frequency attached by ClinVar (database versions not stated): gnomAD exomes 0.00066; TOPMed 0.00068; gnomAD 0.00073; 1000 Genomes Project 0.00100; 1000 Genomes Project 30x 0.00125; ExAC 0.00167.
gnomAD v4.1: 228 of 336,018 alleles (0.068%); highest among the groups gnomAD compares: South Asian, 0.13%; no homozygotes.

Submission:

PreventionGenetics, part of Exact Sciences
Classification: Likely benign for ADGRL2-related condition. Last evaluated: 2019-06-24. Review status: no assertion criteria provided. Collection method: clinical testing. Allele origin: germline.
Comment: This variant is classified as likely benign based on ACMG/AMP sequence variant interpretation guidelines (Richards et al. 2015 PMID: 25741868, with internal and published modifications).